The following is an entry in ClinVar:

ClinVar aggregate classification (germline): Pathogenic (1 of 4 stars; one submission).

Conditions:
Complement component 3 deficiency. Identifiers: Orphanet 280133, MedGen C3151071, MONDO:0013417, OMIM 613779.

Submission:

Genomenon, Inc
Classification: Pathogenic for Complement component 3 deficiency. Last evaluated: 2025-09-30. Review status: criteria provided, single submitter. Criteria: Genomenon Sequence Variant Interpretation Standards. Collection method: curation. Allele origin: germline. Affected: yes.
Comment: C3 p.Arg478Ter (c.1432C>T) is a nonsense variant that introduces a premature stop codon at amino acid position 478, creating a truncated protein that is predicted to undergo nonsense-mediated mRNA decay. This variant has been observed in at least one proband affected with C3 deficiency (PMID:21501302). It is absent or not present at a significant frequency in gnomAD. In conclusion, we classify C3 p.Arg478Ter (c.1432C>T) as a pathogenic variant.

Literature cited by the submitters: PubMed 21501302.

NM_000064.4(C3):c.1432C>T (p.Arg478Ter)

Gene: C3 (complement C3; minus strand). Cytogenetic location: 19p13.3.
Variant type: single nucleotide variant.
Coding change: c.1432C>T on transcript NM_000064.4 (MANE Select); coding-DNA position 1432, C replaced by T.
Protein change: p.Arg478Ter; replaces arginine 478 with a stop codon.
Molecular consequence: nonsense.
Genome position (GRCh38, 1-based): chr19:6,711,034, G>A on the plus strand (C>T on the coding strand, the complement: C3 is on the minus strand). VCF-style: chr19-6711034-G-A. GRCh37 (hg19) VCF-style: chr19-6711045-G-A.
Other names: short protein forms R478*.
Identifiers: ClinVar variation 4280242 (VCV004280242.1).